The following is an entry in ClinVar:

ClinVar aggregate classification (germline): Uncertain significance. Review status: criteria provided, multiple submitters, no conflicts (2 of 4 stars). 2 submissions from 2 submitters: Uncertain significance (2). Last evaluated 2026-01-26.

Conditions:
Familial adenomatous polyposis 1 (FAP1). Also called: FAMILIAL ADENOMATOUS POLYPOSIS 1, ATTENUATED; POLYPOSIS, ADENOMATOUS INTESTINAL. Identifiers: MedGen C2713442, MONDO:0021056, OMIM 175100. Disease mechanism: loss of function.
Hereditary cancer-predisposing syndrome. Also called: Neoplastic Syndromes, Hereditary; Tumor predisposition; Hereditary Cancer Syndrome; Hereditary neoplastic syndrome. Identifiers: Orphanet 140162, MedGen C0027672, MeSH D009386, MONDO:0015356.

Allele frequency attached by ClinVar (database versions not stated): gnomAD exomes below 0.00001.
gnomAD v4.1: 5 of 1,614,116 alleles (0.00031%); highest among the groups gnomAD compares: Non-Finnish European, 0.00042%; no homozygotes.

Submissions (2):

Labcorp Genetics (formerly Invitae), Labcorp
Classification: Uncertain significance for Familial adenomatous polyposis 1. Last evaluated: 2026-01-26. Review status: criteria provided, single submitter. Criteria: Invitae Variant Classification Sherloc (09022015). Collection method: clinical testing. Allele origin: germline.
Comment: This sequence change replaces leucine, which is neutral and non-polar, with valine, which is neutral and non-polar, at codon 1506 of the APC protein (p.Leu1506Val). This variant is present in population databases (no rsID available, gnomAD 0.0009%). This variant has not been reported in the literature in individuals affected with APC-related conditions. ClinVar contains an entry for this variant (Variation ID: 482490). Invitae Evidence Modeling of protein sequence and biophysical properties (such as structural, functional, and spatial information, amino acid conservation, physicochemical variation, residue mobility, and thermodynamic stability) indicates that this missense variant is not expected to disrupt APC protein function with a negative predictive value of 95%. In summary, the available evidence is currently insufficient to determine the role of this variant in disease. Therefore, it has been classified as a Variant of Uncertain Significance.

Ambry Genetics
Classification: Uncertain significance for Hereditary cancer-predisposing syndrome. Last evaluated: 2024-10-24. Review status: criteria provided, single submitter. Criteria: Ambry Variant Classification Scheme 2023. Collection method: clinical testing. Allele origin: germline.
Comment: The p.L1506V variant (also known as c.4516C>G), located in coding exon 15 of the APC gene, results from a C to G substitution at nucleotide position 4516. The leucine at codon 1506 is replaced by valine, an amino acid with highly similar properties. This amino acid position is highly conserved in available vertebrate species. In addition, in silico predictors for this gene do not accurately predict pathogenicity. Missense alterations in APC are not a common cause of disease (Spier I et al. Genet Med. 2024 Feb;26(2):100992). Since supporting evidence is limited at this time, the clinical significance of this alteration remains unclear.

NM_000038.6(APC):c.4516C>G (p.Leu1506Val)

Gene: APC (APC regulator of Wnt signaling pathway; plus strand). Cytogenetic location: 5q22.2.
Variant type: single nucleotide variant.
Coding change: c.4516C>G on transcript NM_000038.6 (MANE Select); coding-DNA position 4516, C replaced by G.
Protein change: p.Leu1506Val; replaces leucine 1506 with valine.
Molecular consequence: missense variant.
Genome position (GRCh38, 1-based): chr5:112,840,110, C>G. VCF-style: chr5-112840110-C-G. GRCh37 (hg19) VCF-style: chr5-112175807-C-G.
Other names: c.4516C>G, p.Leu1506Val (NM_001127510.3, NM_001354895.2); c.4462C>G, p.Leu1488Val (NM_001127511.3); c.4570C>G, p.Leu1524Val (NM_001354896.2); c.4546C>G, p.Leu1516Val (NM_001354897.2); c.4441C>G, p.Leu1481Val (NM_001354898.2); c.4432C>G, p.Leu1478Val (NM_001354899.2); c.4393C>G, p.Leu1465Val (NM_001354900.2); c.4339C>G, p.Leu1447Val (NM_001354901.2); and 5 more; short protein forms L1488V, L1506V, L1223V, L1380V, L1346V, L1405V, L1465V, L1481V.
Identifiers: ClinVar variation 482490 (VCV000482490.16), dbSNP rs1262965215, ClinGen allele CA16031214.